The following is an entry in ClinVar:

ClinVar aggregate classification (germline): Pathogenic (1 of 4 stars; one submission).

Conditions:
Spermatogenic failure 18. Identifiers: MedGen C4539783, MONDO:0054615, OMIM 617576.
Ciliary dyskinesia, primary, 37 (CILD37). Also called: CILIARY DYSKINESIA, PRIMARY, 37, WITH OR WITHOUT SITUS INVERSUS. Identifiers: MedGen C4539798, MONDO:0033204, OMIM 617577.

Submission:

Labcorp Genetics (formerly Invitae), Labcorp
Classification: Pathogenic for Ciliary dyskinesia, primary, 37; Spermatogenic failure 18. Last evaluated: 2020-10-05. Review status: criteria provided, single submitter. Criteria: Invitae Variant Classification Sherloc (09022015). Collection method: clinical testing. Allele origin: germline.
Comment: For these reasons, this variant has been classified as Pathogenic. Loss-of-function variants in DNAH1 are known to be pathogenic (PMID: 27573432, 27798045). Algorithms developed to predict the effect of sequence changes on RNA splicing suggest that this variant may create or strengthen a splice site, but this prediction has not been confirmed by published transcriptional studies. This variant has not been reported in the literature in individuals with DNAH1-related conditions. This variant is not present in population databases (ExAC no frequency). This sequence change creates a premature translational stop signal (p.Arg981Aspfs*37) in the DNAH1 gene. It is expected to result in an absent or disrupted protein product.

Literature cited by the submitters: PubMed 27573432; PubMed 27798045.

NM_015512.5(DNAH1):c.2921_2939dup (p.Arg981fs)

Gene: DNAH1 (dynein axonemal heavy chain 1; plus strand). Cytogenetic location: 3p21.1.
Variant type: Duplication.
Coding change: c.2921_2939dup on transcript NM_015512.5 (MANE Select); coding-DNA positions 2921 to 2939, 19 bases duplicated (AGATCGCCAACGAGGTGCG).
Protein change: p.Arg981fs; shifts the reading frame from arginine 981.
Molecular consequence: frameshift variant.
Genome position (GRCh38, 1-based): chr3:52,352,601-52,352,619, AGATCGCCAACGAGGTGCG duplicated; duplicating any 19 consecutive bases within chr3:52,352,599-52,352,619 gives the same sequence; the c. name uses the placement nearest the transcript's 3' end. VCF-style (leftmost placement, unchanged base first): chr3-52352598-A-ACGAGATCGCCAACGAGGTG. GRCh37 (hg19) VCF-style: chr3-52386614-A-ACGAGATCGCCAACGAGGTG.
Other names: short protein forms R981fs.
Identifiers: ClinVar variation 1068985 (VCV001068985.5), dbSNP rs2153224037, ClinGen allele CA2499216931.